The following is an entry in ClinVar:

ClinVar aggregate classification (germline): Likely benign. Review status: criteria provided, multiple submitters, no conflicts (2 of 4 stars). 3 submissions from 3 submitters: Likely benign (2). 1 of the submissions does not count toward it. Last evaluated 2026-10-01.

Conditions:
HIVEP2-related disorder. Also called: HIVEP2-related condition.

Allele frequency attached by ClinVar (database versions not stated): ExAC 0.00002; gnomAD 0.00007; 1000 Genomes Project 30x 0.00031; 1000 Genomes Project 0.00040; gnomAD exomes 0.00001.
gnomAD v4.1: 25 of 1,614,172 alleles (0.0015%); highest among the groups gnomAD compares: African/African-American, 0.021%; 2 homozygotes.

Submissions (3):

CeGaT Center for Human Genetics Tuebingen
Classification: Likely benign. Last evaluated: 2026-10-01. Review status: criteria provided, single submitter. Criteria: CeGaT Center For Human Genetics Tuebingen Variant Classification Criteria Version 2. Collection method: clinical testing. Allele origin: germline. Affected: yes. Observed: 1 variant allele.
Comment: HIVEP2: BP4, BP7

Labcorp Genetics (formerly Invitae), Labcorp
Classification: Likely benign. Last evaluated: 2018-06-05. Review status: criteria provided, single submitter. Criteria: Invitae Variant Classification Sherloc (09022015). Collection method: clinical testing. Allele origin: germline.

PreventionGenetics, part of Exact Sciences
Classification: Likely benign for HIVEP2-related condition. Last evaluated: 2019-09-19. Review status: no assertion criteria provided. Collection method: clinical testing. Allele origin: germline. Not counted in ClinVar's aggregate classification.
Comment: This variant is classified as likely benign based on ACMG/AMP sequence variant interpretation guidelines (Richards et al. 2015 PMID: 25741868, with internal and published modifications).

NM_006734.4(HIVEP2):c.1857C>T (p.Ser619=)

Gene: HIVEP2 (HIVEP zinc finger 2; minus strand). Cytogenetic location: 6q24.2.
Variant type: single nucleotide variant.
Coding change: c.1857C>T on transcript NM_006734.4 (MANE Select); coding-DNA position 1857, C replaced by T.
Protein change: p.Ser619=; no amino-acid change (serine 619 retained).
Molecular consequence: synonymous variant.
Genome position (GRCh38, 1-based): chr6:142,772,882, G>A on the plus strand (C>T on the coding strand, the complement: HIVEP2 is on the minus strand). VCF-style: chr6-142772882-G-A. GRCh37 (hg19) VCF-style: chr6-143094019-G-A.
Identifiers: ClinVar variation 748830 (VCV000748830.6), dbSNP rs200807945, ClinGen allele CA4028524.
Genomic context (GRCh38, chr6:142,772,882, plus strand): 5'-ATCATAGTCATACCCAACCCTGTCCCCAGGAGACAATTTCTTTTCCTTCAGGGATGAACT[G>A]CTGATACCCTTCAACATCCTGCCATGGTGCTCGACTTCCACGTGGCCCTCCTGTACCGAA-3'
Protein context (NP_006725.3, residues 609-629): EHHGRMLKGI[Ser619=]SSSLKEKKLS